The following is an entry in ClinVar:

ClinVar aggregate classification (germline): Uncertain significance. Review status: criteria provided, multiple submitters, no conflicts (2 of 4 stars). 2 submissions from 2 submitters: Uncertain significance (2). Last evaluated 2025-12-22.

Submissions (2):

Labcorp Genetics (formerly Invitae), Labcorp
Classification: Uncertain significance. Last evaluated: 2025-12-22. Review status: criteria provided, single submitter. Criteria: Invitae Variant Classification Sherloc (09022015). Collection method: clinical testing. Allele origin: germline.
Comment: This sequence change replaces glutamic acid, which is acidic and polar, with lysine, which is basic and polar, at codon 127 of the NEXMIF protein (p.Glu127Lys). This variant is not present in population databases (gnomAD no frequency). This variant has not been reported in the literature in individuals affected with NEXMIF-related conditions. An algorithm developed to predict the effect of missense changes on protein structure and function (PolyPhen-2) suggests that this variant is likely to be disruptive. In summary, the available evidence is currently insufficient to determine the role of this variant in disease. Therefore, it has been classified as a Variant of Uncertain Significance.

Dasa
Classification: Uncertain significance. Last evaluated: 2024-12-05. Review status: criteria provided, single submitter. Criteria: DASA Assertion Criteria. Collection method: clinical testing. Allele origin: germline.
Comment: NM_001008537.3(NEXMIF):c.379G>A (p.Glu127Lys) is a missense variant that results in the substitution of glutamic acid with lysine. This variant is absent from population databases. Computational prediction algorithms are consistent with a benign effect. The currently available literature and clinical evidence are not sufficient to establish a definitive association between this variant and the reported condition. Therefore, this variant is classified as a variant of uncertain significance.

NM_001008537.3(NEXMIF):c.379G>A (p.Glu127Lys)

Gene: NEXMIF (neurite extension and migration factor; minus strand). Cytogenetic location: Xq13.3.
Variant type: single nucleotide variant.
Coding change: c.379G>A on transcript NM_001008537.3 (MANE Select); coding-DNA position 379, G replaced by A.
Protein change: p.Glu127Lys; replaces glutamic acid 127 with lysine.
Molecular consequence: missense variant.
Genome position (GRCh38, 1-based): chrX:74,744,178, C>T on the plus strand (G>A on the coding strand, the complement: NEXMIF is on the minus strand). VCF-style: chrX-74744178-C-T. GRCh37 (hg19) VCF-style: chrX-73964013-C-T.
Other names: short protein forms E127K.
Identifiers: ClinVar variation 4759943 (VCV004759943.3).
Genomic context (GRCh38, chrX:74,744,178, plus strand): 5'-AGCAAGTCCGACTTGGCTGCATGAGACAGTCCCCATTCAGAGCTGACATGCCTGCAGGCT[C>T]CATTATGGCAAATGGAGCTTTCTCACATTCATTGGGAAGTGACCATGTGTTCAGGCCTTT-3'
Protein context (NP_001008537.1, residues 117-137): ECEKAPFAIM[Glu127Lys]PAGMSALNGD